The following is an entry in ClinVar:

ClinVar aggregate classification (germline): Uncertain significance (1 of 4 stars; one submission).

Conditions:
DICER1-related tumor predisposition. Also called: DICER1-related pleuropulmonary blastoma cancer predisposition syndrome; DICER1 syndrome. Identifiers: Orphanet 284343, MedGen C3839822, MONDO:0100216.

Submission:

Labcorp Genetics (formerly Invitae), Labcorp
Classification: Uncertain significance for DICER1-related tumor predisposition. Last evaluated: 2021-09-23. Review status: criteria provided, single submitter. Criteria: Invitae Variant Classification Sherloc (09022015). Collection method: clinical testing. Allele origin: germline.
Comment: This sequence change replaces tyrosine with cysteine at codon 965 of the DICER1 protein (p.Tyr965Cys). The tyrosine residue is highly conserved and there is a large physicochemical difference between tyrosine and cysteine. This variant is not present in population databases (ExAC no frequency). This variant has not been reported in the literature in individuals affected with DICER1-related conditions. Algorithms developed to predict the effect of missense changes on protein structure and function (SIFT, PolyPhen-2, Align-GVGD) all suggest that this variant is likely to be disruptive. In summary, the available evidence is currently insufficient to determine the role of this variant in disease. Therefore, it has been classified as a Variant of Uncertain Significance.

NM_177438.3(DICER1):c.2894A>G (p.Tyr965Cys)

Gene: DICER1 (dicer 1, ribonuclease III; minus strand). Cytogenetic location: 14q32.13.
Variant type: single nucleotide variant.
Coding change: c.2894A>G on transcript NM_177438.3 (MANE Select); coding-DNA position 2894, A replaced by G.
Protein change: p.Tyr965Cys; replaces tyrosine 965 with cysteine.
Molecular consequence: missense variant.
Genome position (GRCh38, 1-based): chr14:95,106,134, T>C on the plus strand (A>G on the coding strand, the complement: DICER1 is on the minus strand). VCF-style: chr14-95106134-T-C. GRCh37 (hg19) VCF-style: chr14-95572471-T-C.
Other names: c.2894A>G, p.Tyr965Cys (NM_001195573.1, NM_001271282.3, NM_001291628.2 and 1 more transcripts); short protein forms Y965C.
Identifiers: ClinVar variation 1492280 (VCV001492280.7), dbSNP rs2139999629, ClinGen allele CA390879012.